The following is an entry in ClinVar:

ClinVar aggregate classification (germline): Uncertain significance (1 of 4 stars; one submission).

Submission:

Women's Health and Genetics/Laboratory Corporation of America, LabCorp
Classification: Uncertain significance. Last evaluated: 2025-07-16. Review status: criteria provided, single submitter. Criteria: LabCorp Variant Classification Summary - May 2015. Collection method: clinical testing. Allele origin: germline.
Comment: Variant summary: HK1 c.2228A>G (p.Lys743Arg) results in a conservative amino acid change in the encoded protein sequence. Algorithms developed to predict the effect of missense changes on protein structure and function are either unavailable or do not agree on the potential impact of this missense change. The variant was absent in 251456 control chromosomes. The available data on variant occurrences in the general population are insufficient to allow any conclusion about variant significance. To our knowledge, no occurrence of c.2228A>G in individuals affected with Hemolytic anemia due to hexokinase deficiency and no experimental evidence demonstrating its impact on protein function have been reported. No submitters have cited clinical-significance assessments for this variant to ClinVar. Based on the evidence outlined above, the variant was classified as uncertain significance.

NM_000188.3(HK1):c.2228A>G (p.Lys743Arg)

Gene: HK1 (hexokinase 1; plus strand). Cytogenetic location: 10q22.1.
Variant type: single nucleotide variant.
Coding change: c.2228A>G on transcript NM_000188.3 (MANE Select); coding-DNA position 2228, A replaced by G.
Protein change: p.Lys743Arg; replaces lysine 743 with arginine.
Molecular consequence: missense variant. On other transcripts: non-coding transcript variant (2), intron variant (1).
Genome position (GRCh38, 1-based): chr10:69,394,958, A>G. VCF-style: chr10-69394958-A-G. GRCh37 (hg19) VCF-style: chr10-71154714-A-G.
Other names: c.2240A>G, p.Lys747Arg (NM_001322364.2, NM_001358263.1, NM_033497.3 and 1 more transcripts); c.2333A>G, p.Lys778Arg (NM_001322365.2); c.2144A>G, p.Lys715Arg (NM_001322366.1, NM_001441143.1); c.2132A>G, p.Lys711Arg (NM_001322367.1); c.2225A>G, p.Lys742Arg (NM_001441139.1, NM_033496.3); c.2219A>G, p.Lys740Arg (NM_001441140.1); c.2228A>G, p.Lys743Arg (NM_001441141.1, NM_001441148.1); c.2186A>G, p.Lys729Arg (NM_001441142.1); and 9 more; short protein forms K621R, K669R, K703R, K715R, K747R, K407R, K613R, K711R.
Identifiers: ClinVar variation 4525833 (VCV004525833.1).